The following is an entry in ClinVar:

NM_001197104.2(KMT2A):c.6658A>C (p.Asn2220His)

Gene: KMT2A (lysine methyltransferase 2A; plus strand). Cytogenetic location: 11q23.3.
Variant type: single nucleotide variant.
Coding change: c.6658A>C on transcript NM_001197104.2 (MANE Select); coding-DNA position 6658, A replaced by C.
Protein change: p.Asn2220His; replaces asparagine 2220 with histidine.
Molecular consequence: missense variant.
Genome position (GRCh38, 1-based): chr11:118,502,550, A>C. VCF-style: chr11-118502550-A-C. GRCh37 (hg19) VCF-style: chr11-118373265-A-C.
Other names: c.6748A>C, p.Asn2250His (NM_001412597.1); c.6649A>C, p.Asn2217His (NM_005933.4); short protein forms N2217H, N2250H, N2220H.
Identifiers: ClinVar variation 4777232 (VCV004777232.1).
Genomic context (GRCh38, chr11:118,502,550, plus strand): 5'-ACCTCTTCCTTATCACCCCAGCGGTCCAAACTCCGGATAATGTCTCCAATGAGAACTGGG[A>C]ATACTTACTCTAGGAATAATGTTTCCTCAGTCTCCACCACCGGGACCGCTACTGATCTTG-3'
Protein context (NP_001184033.1, residues 2210-2230): LRIMSPMRTG[Asn2220His]TYSRNNVSSV

ClinVar aggregate classification (germline): Uncertain significance (1 of 4 stars; one submission).

gnomAD v4.1: 1 of 1,613,988 alleles (0.000062%); highest among the groups gnomAD compares: African/African-American, 0.0013%; no homozygotes.

Submission:

Labcorp Genetics (formerly Invitae), Labcorp
Classification: Uncertain significance. Last evaluated: 2025-09-03. Review status: criteria provided, single submitter. Criteria: Invitae Variant Classification Sherloc (09022015). Collection method: clinical testing. Allele origin: germline.
Comment: This sequence change replaces asparagine, which is neutral and polar, with histidine, which is basic and polar, at codon 2220 of the KMT2A protein (p.Asn2220His). This variant is not present in population databases (gnomAD no frequency). This variant has not been reported in the literature in individuals affected with KMT2A-related conditions. Invitae Evidence Modeling of protein sequence and biophysical properties (such as structural, functional, and spatial information, amino acid conservation, physicochemical variation, residue mobility, and thermodynamic stability) indicates that this missense variant is not expected to disrupt KMT2A protein function with a negative predictive value of 95%. In summary, the available evidence is currently insufficient to determine the role of this variant in disease. Therefore, it has been classified as a Variant of Uncertain Significance.